The following is an entry in ClinVar:

ClinVar aggregate classification (germline): Uncertain significance. Review status: criteria provided, multiple submitters, no conflicts (2 of 4 stars). 3 submissions from 3 submitters: Uncertain significance (3). Last evaluated 2025-03-12.

Conditions:
Hereditary cancer-predisposing syndrome. Also called: Hereditary neoplastic syndrome; Neoplastic Syndromes, Hereditary; Hereditary Cancer Syndrome; Tumor predisposition. Identifiers: Orphanet 140162, MedGen C0027672, MeSH D009386, MONDO:0015356.
Neuroblastoma, susceptibility to, 3. Also called: ALK-Related Neuroblastic Tumor Susceptibility. Identifiers: Orphanet 635, MedGen C2751681, MONDO:0013083, OMIM 613014.

Submissions (3):

Ambry Genetics
Classification: Uncertain significance for Hereditary cancer-predisposing syndrome. Last evaluated: 2025-03-12. Review status: criteria provided, single submitter. Criteria: Ambry Variant Classification Scheme 2023. Collection method: clinical testing. Allele origin: germline.
Comment: The p.G1137E variant (also known as c.3410G>A), located in coding exon 21 of the ALK gene, results from a G to A substitution at nucleotide position 3410. The glycine at codon 1137 is replaced by glutamic acid, an amino acid with similar properties. This amino acid position is well conserved in available vertebrate species. In addition, this alteration is predicted to be deleterious by in silico analysis. Based on the available evidence, the clinical significance of this variant remains unclear.

Labcorp Genetics (formerly Invitae), Labcorp
Classification: Uncertain significance for Neuroblastoma, susceptibility to, 3. Last evaluated: 2025-01-17. Review status: criteria provided, single submitter. Criteria: Invitae Variant Classification Sherloc (09022015). Collection method: clinical testing. Allele origin: germline.
Comment: This sequence change replaces glycine, which is neutral and non-polar, with glutamic acid, which is acidic and polar, at codon 1137 of the ALK protein (p.Gly1137Glu). This variant is not present in population databases (gnomAD no frequency). This variant has not been reported in the literature in individuals affected with ALK-related conditions. ClinVar contains an entry for this variant (Variation ID: 1397808). An algorithm developed to predict the effect of missense changes on protein structure and function (PolyPhen-2) suggests that this variant is likely to be disruptive. In summary, the available evidence is currently insufficient to determine the role of this variant in disease. Therefore, it has been classified as a Variant of Uncertain Significance.

Clinical Genetics Laboratory, Skane University Hospital Lund
Classification: Uncertain significance. Last evaluated: 2022-05-27. Review status: criteria provided, single submitter. Criteria: ACMG Guidelines, 2015. Collection method: clinical testing. Allele origin: germline. Affected: yes.

NM_004304.5(ALK):c.3410G>A (p.Gly1137Glu)

Gene: ALK (ALK receptor tyrosine kinase; minus strand). Cytogenetic location: 2p23.2.
Variant type: single nucleotide variant.
Coding change: c.3410G>A on transcript NM_004304.5 (MANE Select); coding-DNA position 3410, G replaced by A.
Protein change: p.Gly1137Glu; replaces glycine 1137 with glutamic acid.
Molecular consequence: missense variant.
Genome position (GRCh38, 1-based): chr2:29,222,557, C>T on the plus strand (G>A on the coding strand, the complement: ALK is on the minus strand). VCF-style: chr2-29222557-C-T. GRCh37 (hg19) VCF-style: chr2-29445423-C-T.
Other names: c.206G>A, p.Gly69Glu (NM_001353765.2); short protein forms G1137E, G69E.
Identifiers: ClinVar variation 1397808 (VCV001397808.12), dbSNP rs1669834120, ClinGen allele CA346463894.